The following is an entry in ClinVar:

NM_138694.4(PKHD1):c.*1559T>C

Gene: PKHD1 (PKHD1 ciliary IPT domain containing fibrocystin/polyductin; minus strand). Cytogenetic location: 6p12.3.
Variant type: single nucleotide variant.
Coding change: c.*1559T>C on transcript NM_138694.4 (MANE Select); 1559 bases downstream of the stop codon, T replaced by C.
Molecular consequence: 3 prime UTR variant.
Genome position (GRCh38, 1-based): chr6:51,617,522, A>G on the plus strand (T>C on the coding strand, the complement: PKHD1 is on the minus strand). VCF-style: chr6-51617522-A-G. GRCh37 (hg19) VCF-style: chr6-51482320-A-G.
Identifiers: ClinVar variation 357382 (VCV000357382.5), dbSNP rs546309551, ClinGen allele CA10624370.
Genomic context (GRCh38, chr6:51,617,522, plus strand): 5'-CAGCTTGTGCCTCCAGAGTAAACGTCTATAAACCAACTTCTTGCAAATCATTCCCTGAAC[A>G]CAGATAGCCTGGATTGAAATCTCCTGGAGAGCACTGACCTTAACATCTACTTATATTTTC-3'

ClinVar aggregate classification (germline): Likely benign (1 of 4 stars; one submission).

Conditions:
Autosomal recessive polycystic kidney disease (ARPKD). Also called: AR polycystic kidney disease. Identifiers: Orphanet 731, Orphanet 8378, MedGen C0085548, MeSH D017044, MONDO:0009889.

Allele frequency attached by ClinVar (database versions not stated): gnomAD 0.00001 and 0.00056; TOPMed 0.00006; 1000 Genomes Project 30x 0.00406; 1000 Genomes Project 0.00479.

Submission:

Illumina Laboratory Services, Illumina
Classification: Likely benign for Polycystic kidney disease 4. Last evaluated: 2018-01-13. Review status: criteria provided, single submitter. Criteria: ICSL Variant Classification Criteria 13 December 2019. Collection method: clinical testing. Allele origin: germline.
Comment: This variant was observed in the ICSL laboratory as part of a predisposition screen in an ostensibly healthy population. It had not been previously curated by ICSL or reported in the Human Gene Mutation Database (HGMD: prior to June 1st, 2018), and was therefore a candidate for classification through an automated scoring system. Utilizing variant allele frequency, disease prevalence and penetrance estimates, and inheritance mode, an automated score was calculated to assess if this variant is too frequent to cause the disease. Based on the score and internal cut-off values, a variant classified as likely benign is not then subjected to further curation. The score for this variant resulted in a classification of likely benign for this disease.